The following is an entry in ClinVar:

ClinVar aggregate classification (germline): Uncertain significance (1 of 4 stars; one submission).

Conditions:
Cardiovascular phenotype. Identifiers: MedGen CN230736.

Allele frequency attached by ClinVar (database versions not stated): TOPMed below 0.00001; gnomAD 0.00001.
gnomAD v4.1: 26 of 1,614,016 alleles (0.0016%); highest among the groups gnomAD compares: South Asian, 0.0033%; no homozygotes.

Submission:

Ambry Genetics
Classification: Uncertain significance for Cardiovascular phenotype. Last evaluated: 2025-04-12. Review status: criteria provided, single submitter. Criteria: Ambry Variant Classification Scheme 2023. Collection method: clinical testing. Allele origin: germline.
Comment: The p.R34G variant (also known as c.100C>G), located in coding exon 1 of the MYPN gene, results from a C to G substitution at nucleotide position 100. The arginine at codon 34 is replaced by glycine, an amino acid with dissimilar properties. This amino acid position is conserved. In addition, this alteration is predicted to be deleterious by in silico analysis. Based on the available evidence, the clinical significance of this variant remains unclear.

NM_032578.4(MYPN):c.100C>G (p.Arg34Gly)

Gene: MYPN (myopalladin; plus strand). Cytogenetic location: 10q21.3.
Variant type: single nucleotide variant.
Coding change: c.100C>G on transcript NM_032578.4 (MANE Select); coding-DNA position 100, C replaced by G.
Protein change: p.Arg34Gly; replaces arginine 34 with glycine.
Molecular consequence: missense variant. On other transcripts: 5 prime UTR variant (1), non-coding transcript variant (1).
Genome position (GRCh38, 1-based): chr10:68,121,538, C>G. VCF-style: chr10-68121538-C-G. GRCh37 (hg19) VCF-style: chr10-69881295-C-G.
Other names: c.100C>G, p.Arg34Gly (NM_001256267.2); c.-1023C>G (NM_001256268.2); short protein forms R34G.
Identifiers: ClinVar variation 3169362 (VCV003169362.2), dbSNP rs746431976, ClinGen allele CA5522223.